The following is an entry in ClinVar:

ClinVar aggregate classification (germline): Uncertain significance (1 of 4 stars; one submission).

Conditions:
X-linked myopathy with excessive autophagy (AVM). Also called: Vacuolar myopathy; Autophagic vacuolar myopathy. Identifiers: Orphanet 25980, MedGen C1839615, MONDO:0010684, OMIM 310440.

Submission:

Labcorp Genetics (formerly Invitae), Labcorp
Classification: Uncertain significance for X-linked myopathy with excessive autophagy. Last evaluated: 2025-04-11. Review status: criteria provided, single submitter. Criteria: Invitae Variant Classification Sherloc (09022015). Collection method: clinical testing. Allele origin: germline.
Comment: This sequence change replaces glycine, which is neutral and non-polar, with valine, which is neutral and non-polar, at codon 55 of the VMA21 protein (p.Gly55Val). This variant is not present in population databases (gnomAD no frequency). This variant has not been reported in the literature in individuals affected with VMA21-related conditions. ClinVar contains an entry for this variant (Variation ID: 581244). An algorithm developed to predict the effect of missense changes on protein structure and function (PolyPhen-2) suggests that this variant is likely to be tolerated. Algorithms developed to predict the effect of sequence changes on RNA splicing suggest that this variant may disrupt the consensus splice site. In summary, the available evidence is currently insufficient to determine the role of this variant in disease. Therefore, it has been classified as a Variant of Uncertain Significance.

NM_001017980.4(VMA21):c.164G>T (p.Gly55Val)

Gene: VMA21 (vacuolar ATPase assembly factor VMA21; plus strand). Cytogenetic location: Xq28.
Variant type: single nucleotide variant.
Coding change: c.164G>T on transcript NM_001017980.4 (MANE Select); coding-DNA position 164, G replaced by T.
Protein change: p.Gly55Val; replaces glycine 55 with valine.
Molecular consequence: missense variant.
Genome position (GRCh38, 1-based): chrX:151,404,916, G>T. VCF-style: chrX-151404916-G-T. GRCh37 (hg19) VCF-style: chrX-150573388-G-T.
Other names: c.329G>T, p.Gly110Val (NM_001363810.1); short protein forms G55V, G110V.
Identifiers: ClinVar variation 581244 (VCV000581244.9), dbSNP rs1306425454, ClinGen allele CA415271125.